The following is an entry in ClinVar:

ClinVar aggregate classification (germline): Uncertain significance (1 of 4 stars; one submission).

Conditions:
Hepatic veno-occlusive disease-immunodeficiency syndrome. Also called: Hepatic Veno-Occlusive Disease with Immunodeficiency. Identifiers: Orphanet 79124, MedGen C1856128, MONDO:0009338, OMIM 235550. Disease mechanism: loss of function.

Allele frequency attached by ClinVar (database versions not stated): gnomAD exomes 0.00001.
gnomAD v4.1: 8 of 1,614,062 alleles (0.0005%); highest among the groups gnomAD compares: Non-Finnish European, 0.00068%; no homozygotes.

Submission:

Labcorp Genetics (formerly Invitae), Labcorp
Classification: Uncertain significance for Hepatic veno-occlusive disease-immunodeficiency syndrome. Last evaluated: 2018-10-23. Review status: criteria provided, single submitter. Criteria: Invitae Variant Classification Sherloc (09022015). Collection method: clinical testing. Allele origin: germline.
Comment: This variant is not present in population databases (ExAC no frequency). In summary, the available evidence is currently insufficient to determine the role of this variant in disease. Therefore, it has been classified as a Variant of Uncertain Significance. Algorithms developed to predict the effect of missense changes on protein structure and function are either unavailable or do not agree on the potential impact of this missense change (SIFT: "Deleterious"; PolyPhen-2: "Benign"; Align-GVGD: "Class C0"). This variant has not been reported in the literature in individuals with SP110-related disease. This sequence change replaces serine with leucine at codon 346 of the SP110 protein (p.Ser346Leu). The serine residue is moderately conserved and there is a large physicochemical difference between serine and leucine.

NM_080424.4(SP110):c.1037C>T (p.Ser346Leu)

Genes: SP110 (SP110 nuclear body protein; minus strand), SP140 (SP140 nuclear body protein; plus strand). Cytogenetic location: 2q37.1.
Variant type: single nucleotide variant.
Coding change: c.1037C>T on transcript NM_080424.4 (MANE Select); coding-DNA position 1037, C replaced by T.
Protein change: p.Ser346Leu; replaces serine 346 with leucine.
Molecular consequence: missense variant. On other transcripts: intron variant (1).
Genome position (GRCh38, 1-based): chr2:230,202,590, G>A on the plus strand (C>T on the coding strand, the complement: SP110 is on the minus strand). VCF-style: chr2-230202590-G-A. GRCh37 (hg19) VCF-style: chr2-231067306-G-A.
Other names: c.1055C>T, p.Ser352Leu (NM_001185015.2, NM_001378442.1, NM_001378444.1 and 2 more transcripts); c.1037C>T, p.Ser346Leu (NM_001378443.1, NM_004509.5, NM_004510.4); c.899-1625C>T (NM_001378447.1); short protein forms S346L, S352L.
Identifiers: ClinVar variation 660168 (VCV000660168.8), dbSNP rs1574675911, ClinGen allele CA350911046.